The following is an entry in ClinVar:

ClinVar aggregate classification (germline): Uncertain significance (1 of 4 stars; one submission).

Conditions:
Polycystic kidney disease, adult type (PKD1). Also called: Polycystic Kidney Disease 1, Autosomal Dominant; Polycystic kidney disease 1; Polycystic kidney disease 1, severe; Polycystic Kidney, Autosomal Dominant; POLYCYSTIC KIDNEY DISEASE 1 WITH OR WITHOUT POLYCYSTIC LIVER DISEASE; POLYCYSTIC KIDNEY DISEASE, ADULT, TYPE I. Identifiers: MedGen C3149841, MONDO:0008263, OMIM 173900.

gnomAD v4.1: 4 of 1,611,862 alleles (0.00025%); highest among the groups gnomAD compares: Admixed American, 0.0017%; no homozygotes.

Submission:

MVZ Medizinische Genetik Mainz
Classification: Uncertain significance for Polycystic kidney disease, adult type. Last evaluated: 2021-12-29. Review status: criteria provided, single submitter. Criteria: UK Practice Guidelines For Variant Classification V4 01 2020. Collection method: clinical testing. Allele origin: germline. Inheritance: Autosomal dominant inheritance. Affected: yes. Observed: 1 variant allele.
Comment: ACMG Criteria: PM2_SUP, PP3

NM_001009944.3(PKD1):c.12119A>G (p.Tyr4040Cys)

Gene: PKD1 (polycystin 1, transient receptor potential channel interacting; minus strand). Cytogenetic location: 16p13.3.
Variant type: single nucleotide variant.
Coding change: c.12119A>G on transcript NM_001009944.3 (MANE Select); coding-DNA position 12119, A replaced by G.
Protein change: p.Tyr4040Cys; replaces tyrosine 4040 with cysteine.
Molecular consequence: missense variant.
Genome position (GRCh38, 1-based): chr16:2,090,693, T>C on the plus strand (A>G on the coding strand, the complement: PKD1 is on the minus strand). VCF-style: chr16-2090693-T-C. GRCh37 (hg19) VCF-style: chr16-2140694-T-C.
Other names: c.12116A>G, p.Tyr4039Cys (NM_000296.4); short protein forms Y4039C, Y4040C.
Identifiers: ClinVar variation 3235160 (VCV003235160.1), dbSNP rs757297994.